The following is an entry in ClinVar:

ClinVar aggregate classification (germline): Uncertain significance. Review status: criteria provided, multiple submitters, no conflicts (2 of 4 stars). 2 submissions from 2 submitters: Uncertain significance (2). Last evaluated 2024-03-27.

Conditions:
Autosomal recessive limb-girdle muscular dystrophy type 2A (LGMDR1). Also called: Calpainopathy; MUSCULAR DYSTROPHY, PELVOFEMORAL; Limb-girdle muscular dystrophy, type 2A; Muscular dystrophy, limb-girdle, type 2A, Amish; LEYDEN-MOEBIUS MUSCULAR DYSTROPHY. Identifiers: Orphanet 267, MedGen C1869123, MONDO:0009675, OMIM 253600. Disease mechanism: loss of function.

Allele frequency attached by ClinVar (database versions not stated): gnomAD exomes below 0.00001.

Submissions (2):

Labcorp Genetics (formerly Invitae), Labcorp
Classification: Uncertain significance for Autosomal recessive limb-girdle muscular dystrophy type 2A. Last evaluated: 2024-03-27. Review status: criteria provided, single submitter. Criteria: Invitae Variant Classification Sherloc (09022015). Collection method: clinical testing. Allele origin: germline.
Comment: This sequence change replaces glycine, which is neutral and non-polar, with tryptophan, which is neutral and slightly polar, at codon 21 of the CAPN3 protein (p.Gly21Trp). This variant is present in population databases (no rsID available, gnomAD 0.0009%). This variant has not been reported in the literature in individuals affected with CAPN3-related conditions. ClinVar contains an entry for this variant (Variation ID: 285311). Advanced modeling of protein sequence and biophysical properties (such as structural, functional, and spatial information, amino acid conservation, physicochemical variation, residue mobility, and thermodynamic stability) has been performed at Invitae for this missense variant, however the output from this modeling did not meet the statistical confidence thresholds required to predict the impact of this variant on CAPN3 protein function. In summary, the available evidence is currently insufficient to determine the role of this variant in disease. Therefore, it has been classified as a Variant of Uncertain Significance.

Eurofins Ntd Llc (ga)
Classification: Uncertain significance. Last evaluated: 2016-01-08. Review status: criteria provided, single submitter. Criteria: EGL Classification Definitions 2015. Collection method: clinical testing. Allele origin: germline. Observed: 1 variant allele, 1 heterozygote.

NM_000070.3(CAPN3):c.61G>T (p.Gly21Trp)

Gene: CAPN3 (calpain 3; plus strand). Cytogenetic location: 15q15.1.
Variant type: single nucleotide variant.
Coding change: c.61G>T on transcript NM_000070.3 (MANE Select); coding-DNA position 61, G replaced by T.
Protein change: p.Gly21Trp; replaces glycine 21 with tryptophan.
Molecular consequence: missense variant.
Genome position (GRCh38, 1-based): chr15:42,359,866, G>T. VCF-style: chr15-42359866-G-T. GRCh37 (hg19) VCF-style: chr15-42652064-G-T.
Other names: c.61G>T, p.Gly21Trp (NM_024344.2, NM_173087.2); short protein forms G21W.
Identifiers: ClinVar variation 285311 (VCV000285311.13), dbSNP rs886043070, ClinGen allele CA10605072.